The following is an entry in ClinVar:

NM_001164508.2(NEB):c.15399C>T (p.Val5133=)

Gene: NEB (nebulin; minus strand). Cytogenetic location: 2q23.3.
Variant type: single nucleotide variant.
Coding change: c.15399C>T on transcript NM_001164508.2 (MANE Select); coding-DNA position 15399, C replaced by T.
Protein change: p.Val5133=; no amino-acid change (valine 5133 retained).
Molecular consequence: synonymous variant. On other transcripts: intron variant (1).
Genome position (GRCh38, 1-based): chr2:151,587,425, G>A on the plus strand (C>T on the coding strand, the complement: NEB is on the minus strand). VCF-style: chr2-151587425-G-A. GRCh37 (hg19) VCF-style: chr2-152443939-G-A.
Other names: c.15399C>T, p.Val5133= (NM_001164507.2, NM_001271208.2); c.11602-11071C>T (NM_004543.5).
Identifiers: ClinVar variation 384293 (VCV000384293.1), dbSNP rs1057521914, ClinGen allele CA16603851.
Genomic context (GRCh38, chr2:151,587,425, plus strand): 5'-GGTTCTTACCTCACTTATTTGCAGAGAATTGGCTTTTGCCAAGACAACTTCTGGAGTGTC[G>A]ACAATGCTGGTGAATGACAAAGCTTCTGGACGTGTCCTATAGAGTCTTTCATTCACGAGG-3'
Protein context (NP_001157980.2, residues 5123-5143): RPEALSFTSI[Val5133=]DTPEVVLAKA

ClinVar aggregate classification (germline): Likely benign (1 of 4 stars; one submission).

Submission:

GeneDx
Classification: Likely benign. Last evaluated: 2017-10-16. Review status: criteria provided, single submitter. Criteria: GeneDx Variant Classification (06012015). Collection method: clinical testing. Allele origin: germline. Affected: yes.
Comment: This variant is considered likely benign or benign based on one or more of the following criteria: it is a conservative change, it occurs at a poorly conserved position in the protein, it is predicted to be benign by multiple in silico algorithms, and/or has population frequency not consistent with disease.